The following is an entry in ClinVar:

NM_153240.5(NPHP3):c.3237G>C (p.Gln1079His)

Genes: NPHP3 (nephrocystin 3; minus strand), NPHP3-ACAD11 (NPHP3-ACAD11 readthrough (NMD candidate); minus strand). Cytogenetic location: 3q22.1.
Variant type: single nucleotide variant.
Coding change: c.3237G>C on transcript NM_153240.5 (MANE Select); coding-DNA position 3237, G replaced by C.
Protein change: p.Gln1079His; replaces glutamine 1079 with histidine.
Molecular consequence: missense variant. On other transcripts: non-coding transcript variant (1).
Genome position (GRCh38, 1-based): chr3:132,686,352, C>G on the plus strand (G>C on the coding strand, the complement: NPHP3 is on the minus strand). VCF-style: chr3-132686352-C-G. GRCh37 (hg19) VCF-style: chr3-132405196-C-G.
Other names: short protein forms Q1079H.
Identifiers: ClinVar variation 499991 (VCV000499991.12), dbSNP rs764287266, ClinGen allele CA2621793.

ClinVar aggregate classification (germline): Uncertain significance. Review status: criteria provided, multiple submitters, no conflicts (2 of 4 stars). 5 submissions from 5 submitters: Uncertain significance (4). 1 of the submissions does not count toward it. Last evaluated 2024-01-04.

Conditions:
NPHP3-related disorder. Also called: NPHP3-related disorders; NPHP3-related condition. Identifiers: MedGen CN379163.
Nephronophthisis 3 (NPHP3). Also called: Adolescent nephronophthisis. Identifiers: Orphanet 655, MedGen C1858392, MONDO:0011456, OMIM 604387.
NPHP3-related Meckel-like syndrome. Also called: Meckel syndrome type 7; GOLDSTON SYNDROME. Identifiers: Orphanet 3032, MedGen C2673885, MONDO:0009966, OMIM 267010.
Renal-hepatic-pancreatic dysplasia 1 (RHPD1). Identifiers: MedGen C3715199, MONDO:0008833, OMIM 208540.
Nephronophthisis. Also called: Juvenile Nephronophthisis. Identifiers: Orphanet 655, MedGen C0687120, MONDO:0019005, HP:0000090.

Allele frequency attached by ClinVar (database versions not stated): gnomAD 0.00001; TOPMed 0.00003; gnomAD exomes 0.00005 and 0.00010; ExAC 0.00009.
gnomAD v4.1: 31 of 1,613,962 alleles (0.0019%); highest among the groups gnomAD compares: Admixed American, 0.047%; no homozygotes.

Submissions (5):

Fulgent Genetics
Classification: Uncertain significance for Renal-hepatic-pancreatic dysplasia 1; NPHP3-related Meckel-like syndrome; Nephronophthisis 3. Last evaluated: 2024-01-04. Review status: criteria provided, single submitter. Criteria: ACMG Guidelines, 2015. Collection method: clinical testing. Allele origin: germline.

GeneDx
Classification: Uncertain significance. Last evaluated: 2022-09-13. Review status: criteria provided, single submitter. Criteria: GeneDx Variant Classification Process June 2021. Collection method: clinical testing. Allele origin: germline. Affected: yes.
Comment: In silico analysis supports that this missense variant does not alter protein structure/function; Has not been previously published as pathogenic or benign to our knowledge

Labcorp Genetics (formerly Invitae), Labcorp
Classification: Uncertain significance for Nephronophthisis. Last evaluated: 2022-07-19. Review status: criteria provided, single submitter. Criteria: Invitae Variant Classification Sherloc (09022015). Collection method: clinical testing. Allele origin: germline.
Comment: This sequence change replaces glutamine, which is neutral and polar, with histidine, which is basic and polar, at codon 1079 of the NPHP3 protein (p.Gln1079His). This variant is present in population databases (rs764287266, gnomAD 0.07%). This variant has not been reported in the literature in individuals affected with NPHP3-related conditions. ClinVar contains an entry for this variant (Variation ID: 499991). Algorithms developed to predict the effect of missense changes on protein structure and function are either unavailable or do not agree on the potential impact of this missense change (SIFT: "Deleterious"; PolyPhen-2: "Probably Damaging"; Align-GVGD: "Class C0"). In summary, the available evidence is currently insufficient to determine the role of this variant in disease. Therefore, it has been classified as a Variant of Uncertain Significance.

Eurofins Ntd Llc (ga)
Classification: Uncertain significance. Last evaluated: 2017-10-05. Review status: criteria provided, single submitter. Criteria: EGL Classification Definitions 2015. Collection method: clinical testing. Allele origin: germline. Observed: 4 variant alleles, 4 heterozygotes.

PreventionGenetics, part of Exact Sciences
Classification: Uncertain significance for NPHP3-related condition. Last evaluated: 2024-05-24. Review status: no assertion criteria provided. Collection method: clinical testing. Allele origin: germline. Not counted in ClinVar's aggregate classification.
Comment: The NPHP3 c.3237G>C variant is predicted to result in the amino acid substitution p.Gln1079His. To our knowledge, this variant has not been reported in the literature. This variant is reported in 0.069% of alleles in individuals of Latino descent in gnomAD. Although we suspect that this variant may be benign, at this time, the clinical significance of this variant is uncertain due to the absence of conclusive functional and genetic evidence.